The following is an entry in ClinVar:

NM_032436.4(CHAMP1):c.576T>A (p.Pro192=)

Gene: CHAMP1 (chromosome alignment maintaining phosphoprotein 1; plus strand). Cytogenetic location: 13q34.
Variant type: single nucleotide variant.
Coding change: c.576T>A on transcript NM_032436.4 (MANE Select); coding-DNA position 576, T replaced by A.
Protein change: p.Pro192=; no amino-acid change (proline 192 retained).
Molecular consequence: synonymous variant.
Genome position (GRCh38, 1-based): chr13:114,324,418, T>A. VCF-style: chr13-114324418-T-A. GRCh37 (hg19) VCF-style: chr13-115089893-T-A.
Other names: c.576T>A, p.Pro192= (NM_001164144.3, NM_001164145.3).
Identifiers: ClinVar variation 3345008 (VCV003345008.1).

ClinVar aggregate classification (germline): Likely benign (0 of 4 stars; one submission).

Conditions:
CHAMP1-related disorder. Also called: CHAMP1-related condition.

gnomAD v4.1: 2 of 1,614,202 alleles (0.00012%); highest among the groups gnomAD compares: South Asian, 0.0022%; no homozygotes.

Submission:

PreventionGenetics, part of Exact Sciences
Classification: Likely benign for CHAMP1-related condition. Last evaluated: 2024-05-23. Review status: no assertion criteria provided. Collection method: clinical testing. Allele origin: germline.
Comment: This variant is classified as likely benign based on ACMG/AMP sequence variant interpretation guidelines (Richards et al. 2015 PMID: 25741868, with internal and published modifications).